The following is an entry in ClinVar:

ClinVar aggregate classification (germline): Pathogenic/Likely pathogenic. Review status: criteria provided, multiple submitters, no conflicts (2 of 4 stars). 13 submissions from 13 submitters: Pathogenic (11); Likely pathogenic (1). 1 of the submissions does not count toward it. Last evaluated 2025-12-22.

Conditions:
Rare genetic deafness. Identifiers: Orphanet 96210, MedGen C5680250.
MYO7A-related disorder. Also called: MYO7A-related disorders.
Usher syndrome. Also called: Usher Syndromes; Usher's syndrome. Identifiers: Orphanet 886, MedGen CN469326, MeSH D052245, MONDO:0019501. Disease mechanism: loss of function.
Autosomal recessive nonsyndromic hearing loss 2. Also called: DEAFNESS, AUTOSOMAL RECESSIVE 2; NEUROSENSORY NONSYNDROMIC RECESSIVE DEAFNESS 2. Identifiers: Orphanet 90636, MedGen C1838701, MONDO:0010807, OMIM 600060.
Usher syndrome type 1 (USH1). Also called: RETINITIS PIGMENTOSA AND CONGENITAL DEAFNESS. Identifiers: Orphanet 231169, Orphanet 886, MedGen C1568247, MONDO:0010168, OMIM 276900.
Autosomal dominant nonsyndromic hearing loss 11. Identifiers: Orphanet 90635, MedGen C1832475, MONDO:0011032, OMIM 601317.
Usher syndrome type 1B (USH1B). Also called: Usher syndrome type IB. Identifiers: MedGen C1848638, MONDO:0700087.
Retinal disorder. Also called: Retinopathy; Retinopathies; Retinal Diseases; Retinal disorders. Identifiers: MedGen C0035309, MONDO:0005283, HP:0000488.

Allele frequency attached by ClinVar (database versions not stated): gnomAD 0.00001; gnomAD exomes 0.00001; TOPMed 0.00003; ExAC 0.00001.
gnomAD v4.1: 16 of 1,613,400 alleles (0.00099%); highest among the groups gnomAD compares: Middle Eastern, 0.016%; no homozygotes.

Submissions (13):

Labcorp Genetics (formerly Invitae), Labcorp
Classification: Pathogenic. Last evaluated: 2025-12-22. Review status: criteria provided, single submitter. Criteria: Invitae Variant Classification Sherloc (09022015). Collection method: clinical testing. Allele origin: germline.
Comment: This sequence change replaces arginine, which is basic and polar, with tryptophan, which is neutral and slightly polar, at codon 1873 of the MYO7A protein (p.Arg1873Trp). This variant is present in population databases (rs397516321, gnomAD 0.01%). This missense change has been observed in individuals with Usher syndrome (PMID: 16679490, 25558175, 27460420, 29142287). It has also been observed to segregate with disease in related individuals. ClinVar contains an entry for this variant (Variation ID: 43291). Invitae Evidence Modeling of protein sequence and biophysical properties (such as structural, functional, and spatial information, amino acid conservation, physicochemical variation, residue mobility, and thermodynamic stability) indicates that this missense variant is expected to disrupt MYO7A protein function with a positive predictive value of 95%. For these reasons, this variant has been classified as Pathogenic.

Genetics Laboratory, Great Ormond Street Hospital NHS Foundation Trust, North Thames Genomic Laboratory Hub
Classification: Likely pathogenic for Retinal disorders. Last evaluated: 2025-10-21. Review status: criteria provided, single submitter. Criteria: ACGS Best Practice Guidelines for Variant Classification in Rare Disease 2024 v1.2. Collection method: clinical testing. Allele origin: germline. Affected: yes.
Comment: PM2_moderate, PP3_supporting, PM5_moderate, PM3_strong

Natera, Inc.
Classification: Pathogenic for Usher syndrome type 1B. Last evaluated: 2025-09-15. Review status: criteria provided, single submitter. Criteria: Natera Variant Classification Schema (03/2026). Collection method: clinical testing. Allele origin: germline.
Comment: The c.5617C>T variant in MYO7A is a missense variant predicted to cause substitution of arginine to tryptophan at amino acid 1873. This variant is rare in the general population with a frequency below the threshold expected for the associated phenotype(s). This variant has been observed in one or more individuals affected with the associated recessive disease, as either homozygous or compound heterozygous with a second variant (PMID: 34948090, 16679490). Computational prediction algorithms indicate this variant is likely to affect gene or protein function. Given the available evidence, this variant is classified as Pathogenic.

PreventionGenetics, part of Exact Sciences
Classification: Pathogenic for MYO7A-related condition. Last evaluated: 2025-05-21. Review status: criteria provided, single submitter. Criteria: ACMG Guidelines, 2015. Collection method: clinical testing. Allele origin: germline.
Comment: The MYO7A c.5617C>T variant is predicted to result in the amino acid substitution p.Arg1873Trp. This variant has been reported in individuals with Usher syndrome 1 (Roux et al. 2006. PubMed ID: 16679490; Sodi et al. 2014. PubMed ID: 25558175; Table S1, Bonnet et al. 2016. PubMed ID: 27460420; Eandi et al. 2017. PubMed ID: 29142287). This variant has been also reported in the compound heterozygous state to segregate with non-syndromic hearing loss in four individuals from a single family (Bakhchane et al. 2017. PubMed ID: 28472130) and in an individual with inherited retinal degeneration (Supplemental Table 2, Weisschuh et al. 2020. PubMed ID: 32531858). This variant is reported in 0.010% of alleles in individuals of East Asian descent in gnomAD and is reported as pathogenic/likely pathogenic in ClinVar. We interpret this variant as pathogenic.

GeneDx
Classification: Pathogenic. Last evaluated: 2025-05-14. Review status: criteria provided, single submitter. Criteria: GeneDx Variant Classification Process June 2021. Collection method: clinical testing. Allele origin: germline. Affected: yes.
Comment: In silico analysis supports that this missense variant has a deleterious effect on protein structure/function; This variant is associated with the following publications: (PMID: 18484607, 21738395, 32531858, 16679490, 27460420, 25558175, 28472130, 28944237, 31589614, 31964843, 36460718, 34948090, 34148116, 29142287)

Revvity Omics, Revvity
Classification: Pathogenic. Last evaluated: 2024-03-27. Review status: criteria provided, single submitter. Criteria: ACMG Guidelines, 2015. Collection method: clinical testing. Allele origin: germline.

Fulgent Genetics
Classification: Pathogenic for Usher syndrome type 1; Autosomal recessive nonsyndromic hearing loss 2; Autosomal dominant nonsyndromic hearing loss 11. Last evaluated: 2024-02-22. Review status: criteria provided, single submitter. Criteria: ACMG Guidelines, 2015. Collection method: clinical testing. Allele origin: germline.

Women's Health and Genetics/Laboratory Corporation of America, LabCorp
Classification: Pathogenic for Usher syndrome. Last evaluated: 2023-07-28. Review status: criteria provided, single submitter. Criteria: LabCorp Variant Classification Summary - May 2015. Collection method: clinical testing. Allele origin: germline.
Comment: Variant summary: MYO7A c.5617C>T (p.Arg1873Trp) results in a non-conservative amino acid change located in the MyTH4 domain (IPR000857) of the encoded protein sequence. This alters a highly conserved residue (HGMD) in which another missense change (p.Arg1873Gln) has been classified as pathogenic (ClinVar). Five of five in-silico tools predict a damaging effect of the variant on protein function. The variant allele was found at a frequency of 1.2e-05 in 247820 control chromosomes (gnomAD). c.5617C>T has been reported in the literature in multiple individuals affected with Usher Syndrome (Bahena_2022, Bonnet_2016, Mansard_2021), and some were reported as compound heterozygous with (likely) pathogenic variants. These data indicate that the variant is very likely to be associated with disease. The following publications have been ascertained in the context of this evaluation (PMID: 34948090, 34148116, 27460420). Five submitters have cited clinical-significance assessments for this variant to ClinVar after 2014. All submitters classified the variant as pathogenic/likely pathogenic. Based on the evidence outlined above, the variant was classified as pathogenic.

Blueprint Genetics
Classification: Pathogenic for MYO7A-related disorders. Last evaluated: 2021-11-30. Review status: criteria provided, single submitter. Criteria: ACMG Guidelines, 2015. Collection method: clinical testing. Allele origin: germline. Affected: yes. Observed: 5 variant alleles.

Athena Diagnostics
Classification: Pathogenic. Last evaluated: 2021-02-17. Review status: criteria provided, single submitter. Criteria: Athena Diagnostics criteria. Collection method: clinical testing. Allele origin: unknown.
Comment: The frequency of this variant in the general population is consistent with pathogenicity. This variant segregates with disease in multiple families. In multiple individuals, this variant has been seen with a single recessive pathogenic variant in the same gene, suggesting this variant may also be pathogenic.

Laboratory for Molecular Medicine, Mass General Brigham Personalized Medicine
Classification: Pathogenic for Rare genetic deafness. Last evaluated: 2011-03-09. Review status: criteria provided, single submitter. Criteria: LMM Criteria. Collection method: clinical testing. Allele origin: germline. Observed: 1 variant allele.
Comment: The Arg1873Trp variant in MYO7A has been reported in five probands with Usher sy ndrome type 1 and has not been identified in 1176 control chromosomes (Roux 2006 , Baux 2008-unpublished data). All of these probands were homozygous or compound heterozygous. In summary, this variant meets our criteria to be classified as p athogenic.

Juno Genomics, Hangzhou Juno Genomics, Inc
Classification: Pathogenic for Autosomal recessive nonsyndromic hearing loss 2; Usher syndrome type 1. Review status: criteria provided, single submitter. Criteria: ACMG Guidelines, 2015. Collection method: clinical testing. Allele origin: germline.
Comment: Absent from controls (or at extremely low frequency if recessive) in Genome Aggregation Database.;Multiple lines of computational evidence support a deleterious effect on the gene or gene product.;For recessive disorders, detected in trans with a pathogenic variant.;Co-segregation with disease in multiple affected family members.

Counsyl
Classification: Likely pathogenic for Usher syndrome type 1; Autosomal recessive nonsyndromic hearing loss 2. Last evaluated: 2017-08-18. Review status: no assertion criteria provided. Collection method: clinical testing. Allele origin: unknown. Not counted in ClinVar's aggregate classification.

Literature cited by the submitters: PubMed 16679490 (cited by 5 submitters); PubMed 25558175 (cited by 3 submitters); PubMed 27460420 (cited by 4 submitters); PubMed 29142287 (cited by Labcorp Genetics (formerly Invitae), Labcorp and Athena Diagnostics); PubMed 34948090 (cited by Natera, Inc. and Women's Health and Genetics/Laboratory Corporation of America, LabCorp); PubMed 34148116 (cited by Women's Health and Genetics/Laboratory Corporation of America, LabCorp); PubMed 28472130 (cited by Athena Diagnostics and Counsyl); PubMed 21738395 (cited by Athena Diagnostics and Counsyl); PubMed 18484607 (cited by Laboratory for Molecular Medicine, Mass General Brigham Personalized Medicine).

NM_000260.4(MYO7A):c.5617C>T (p.Arg1873Trp)

Gene: MYO7A (myosin VIIA; plus strand). Cytogenetic location: 11q13.5.
Variant type: single nucleotide variant.
Coding change: c.5617C>T on transcript NM_000260.4 (MANE Select); coding-DNA position 5617, C replaced by T.
Protein change: p.Arg1873Trp; replaces arginine 1873 with tryptophan.
Molecular consequence: missense variant.
Genome position (GRCh38, 1-based): chr11:77,205,598, C>T. VCF-style: chr11-77205598-C-T. GRCh37 (hg19) VCF-style: chr11-76916643-C-T.
Other names: c.5503C>T, p.Arg1835Trp (NM_001127180.2); c.5470C>T, p.Arg1824Trp (NM_001369365.1); short protein forms R1873W, R1824W, R1835W.
Identifiers: ClinVar variation 43291 (VCV000043291.28), dbSNP rs397516321, ClinGen allele CA278686.
Genomic context (GRCh38, chr11:77,205,598, plus strand): 5'-CACGTGCAGCGCTTCCTGCAGTCCCGAAAGCACTGCCCACTCGCCATCGACTGCCTGCAA[C>T]GGCTCCAGAAAGCCCTGAGGTACAGCGGCCACCAGGGGCAGGGACAGACACTGGGGCGGG-3'
Protein context (NP_000251.3, residues 1863-1883): HCPLAIDCLQ[Arg1873Trp]LQKALRNGSR